The following is an entry in ClinVar:

NM_000038.6(APC):c.8089T>C (p.Ser2697Pro)

Gene: APC (APC regulator of Wnt signaling pathway; plus strand). Cytogenetic location: 5q22.2.
Variant type: single nucleotide variant.
Coding change: c.8089T>C on transcript NM_000038.6 (MANE Select); coding-DNA position 8089, T replaced by C.
Protein change: p.Ser2697Pro; replaces serine 2697 with proline.
Molecular consequence: missense variant. On other transcripts: non-coding transcript variant (2).
Genome position (GRCh38, 1-based): chr5:112,843,683, T>C. VCF-style: chr5-112843683-T-C. GRCh37 (hg19) VCF-style: chr5-112179380-T-C.
Other names: c.8089T>C, p.Ser2697Pro (NM_001127510.3, NM_001354895.2, NM_001407450.1); c.8035T>C, p.Ser2679Pro (NM_001127511.3); c.8143T>C, p.Ser2715Pro (NM_001354896.2, NM_001407447.1, NM_001407448.1 and 1 more transcripts); c.8119T>C, p.Ser2707Pro (NM_001354897.2); c.8014T>C, p.Ser2672Pro (NM_001354898.2); c.8005T>C, p.Ser2669Pro (NM_001354899.2); c.7966T>C, p.Ser2656Pro (NM_001354900.2); c.7912T>C, p.Ser2638Pro (NM_001354901.2, NM_001407453.1); and 11 more; short protein forms S2313P, S2414P, S2537P, S2568P, S2571P, S2596P, S2606P, S2614P.
Identifiers: ClinVar variation 2677082 (VCV002677082.2), dbSNP rs1388750461, ClinGen allele CA16038897.

ClinVar aggregate classification (germline): Uncertain significance. Review status: criteria provided, multiple submitters, no conflicts (2 of 4 stars). 2 submissions from 2 submitters: Uncertain significance (2). Last evaluated 2025-09-06.

Conditions:
Familial adenomatous polyposis 1 (FAP1). Also called: FAMILIAL ADENOMATOUS POLYPOSIS 1, ATTENUATED; POLYPOSIS, ADENOMATOUS INTESTINAL. Identifiers: MedGen C2713442, MONDO:0021056, OMIM 175100. Disease mechanism: loss of function.

Submissions (2):

Labcorp Genetics (formerly Invitae), Labcorp
Classification: Uncertain significance for Familial adenomatous polyposis 1. Last evaluated: 2025-09-06. Review status: criteria provided, single submitter. Criteria: Invitae Variant Classification Sherloc (09022015). Collection method: clinical testing. Allele origin: germline.
Comment: This sequence change replaces serine, which is neutral and polar, with proline, which is neutral and non-polar, at codon 2697 of the APC protein (p.Ser2697Pro). This variant is not present in population databases (gnomAD no frequency). This variant has not been reported in the literature in individuals affected with APC-related conditions. ClinVar contains an entry for this variant (Variation ID: 2677082). Invitae Evidence Modeling of protein sequence and biophysical properties (such as structural, functional, and spatial information, amino acid conservation, physicochemical variation, residue mobility, and thermodynamic stability) indicates that this missense variant is not expected to disrupt APC protein function with a negative predictive value of 95%. In summary, the available evidence is currently insufficient to determine the role of this variant in disease. Therefore, it has been classified as a Variant of Uncertain Significance.

Baylor Genetics
Classification: Uncertain significance for Familial adenomatous polyposis 1. Last evaluated: 2023-09-26. Review status: criteria provided, single submitter. Criteria: ACMG Guidelines, 2015. Collection method: clinical testing. Allele origin: unknown.